The following is an entry in ClinVar:

ClinVar aggregate classification (germline): Uncertain significance (1 of 4 stars; one submission).

Submission:

Labcorp Genetics (formerly Invitae), Labcorp
Classification: Uncertain significance. Last evaluated: 2025-07-23. Review status: criteria provided, single submitter. Criteria: Invitae Variant Classification Sherloc (09022015). Collection method: clinical testing. Allele origin: germline.
Comment: This sequence change replaces methionine, which is neutral and non-polar, with arginine, which is basic and polar, at codon 2130 of the ABCA4 protein (p.Met2130Arg). This variant is not present in population databases (gnomAD no frequency). This variant has not been reported in the literature in individuals affected with ABCA4-related conditions. An algorithm developed to predict the effect of missense changes on protein structure and function (PolyPhen-2) suggests that this variant is likely to be disruptive. Algorithms developed to predict the effect of sequence changes on RNA splicing suggest that this variant may create or strengthen a splice site. This variant disrupts the p.Met2130 amino acid residue in ABCA4. Other variant(s) that disrupt this residue have been determined to be pathogenic (PMID: 25474345, 26161775, 29975949). This suggests that this residue is clinically significant, and that variants that disrupt this residue are likely to be disease-causing. In summary, the available evidence is currently insufficient to determine the role of this variant in disease. Therefore, it has been classified as a Variant of Uncertain Significance.

Literature cited by the submitters: PubMed 25474345; PubMed 26161775; PubMed 29975949.

NM_000350.3(ABCA4):c.6389T>G (p.Met2130Arg)

Gene: ABCA4 (ATP binding cassette subfamily A member 4; minus strand). Cytogenetic location: 1p22.1.
Variant type: single nucleotide variant.
Coding change: c.6389T>G on transcript NM_000350.3 (MANE Select); coding-DNA position 6389, T replaced by G.
Protein change: p.Met2130Arg; replaces methionine 2130 with arginine.
Molecular consequence: missense variant.
Genome position (GRCh38, 1-based): chr1:94,000,926, A>C on the plus strand (T>G on the coding strand, the complement: ABCA4 is on the minus strand). VCF-style: chr1-94000926-A-C. GRCh37 (hg19) VCF-style: chr1-94466482-A-C.
Other names: c.6167T>G, p.Met2056Arg (NM_001425324.1); short protein forms M2130R, M2056R.
Identifiers: ClinVar variation 4723947 (VCV004723947.1).